The following is an entry in ClinVar:

ClinVar aggregate classification (germline): Likely benign (0 of 4 stars; one submission).

Conditions:
SCRIB-related disorder. Also called: SCRIB-related condition.

Allele frequency attached by ClinVar (database versions not stated): gnomAD exomes 0.00001; ExAC 0.00004; gnomAD 0.00014; 1000 Genomes Project 30x 0.00016; 1000 Genomes Project 0.00020; TOPMed 0.00039.
gnomAD v4.1: 49 of 1,560,268 alleles (0.0031%); highest among the groups gnomAD compares: Admixed American, 0.048%; no homozygotes.

Submission:

PreventionGenetics, part of Exact Sciences
Classification: Likely benign for SCRIB-related condition. Last evaluated: 2019-09-13. Review status: no assertion criteria provided. Collection method: clinical testing. Allele origin: germline.
Comment: This variant is classified as likely benign based on ACMG/AMP sequence variant interpretation guidelines (Richards et al. 2015 PMID: 25741868, with internal and published modifications).

NM_182706.5(SCRIB):c.228C>T (p.Pro76=)

Gene: SCRIB (scribble planar cell polarity protein; minus strand). Cytogenetic location: 8q24.3.
Variant type: single nucleotide variant.
Coding change: c.228C>T on transcript NM_182706.5 (MANE Select); coding-DNA position 228, C replaced by T.
Protein change: p.Pro76=; no amino-acid change (proline 76 retained).
Molecular consequence: synonymous variant.
Genome position (GRCh38, 1-based): chr8:143,814,050, G>A on the plus strand (C>T on the coding strand, the complement: SCRIB is on the minus strand). VCF-style: chr8-143814050-G-A. GRCh37 (hg19) VCF-style: chr8-144896220-G-A.
Other names: c.228C>T, p.Pro76= (NM_015356.5).
Identifiers: ClinVar variation 3040662 (VCV003040662.2), dbSNP rs557877222, ClinGen allele CA187613888.
Genomic context (GRCh38, chr8:143,814,050, plus strand): 5'-AGGCTCCCCACCGTTCCGGGACACGTCCAGCTCCACCAGCTGCATGAAGTTGGCCACCTC[G>A]GGAGGCAACCGCTGGATCTCGTTGTCGCTCAGGCCCAGCTTGCGCAAGTTCAGCAGCCGG-3'
Protein context (NP_874365.3, residues 66-86): LSDNEIQRLP[Pro76=]EVANFMQLVE